The following is an entry in ClinVar:

ClinVar aggregate classification (germline): Uncertain significance (1 of 4 stars; one submission).

gnomAD v4.1: 22 of 1,614,104 alleles (0.0014%); highest among the groups gnomAD compares: Non-Finnish European, 0.00068%; no homozygotes.

Submission:

Labcorp Genetics (formerly Invitae), Labcorp
Classification: Uncertain significance. Last evaluated: 2024-11-29. Review status: criteria provided, single submitter. Criteria: Invitae Variant Classification Sherloc (09022015). Collection method: clinical testing. Allele origin: germline.
Comment: This sequence change replaces serine, which is neutral and polar, with glycine, which is neutral and non-polar, at codon 1073 of the TRRAP protein (p.Ser1073Gly). This variant is present in population databases (no rsID available, gnomAD 0.01%). This variant has not been reported in the literature in individuals affected with TRRAP-related conditions. Invitae Evidence Modeling of protein sequence and biophysical properties (such as structural, functional, and spatial information, amino acid conservation, physicochemical variation, residue mobility, and thermodynamic stability) indicates that this missense variant is not expected to disrupt TRRAP protein function with a negative predictive value of 80%. In summary, the available evidence is currently insufficient to determine the role of this variant in disease. Therefore, it has been classified as a Variant of Uncertain Significance.

NM_001375524.1(TRRAP):c.3217A>G (p.Ser1073Gly)

Gene: TRRAP (transformation/transcription domain associated protein; plus strand). Cytogenetic location: 7q22.1.
Variant type: single nucleotide variant.
Coding change: c.3217A>G on transcript NM_001375524.1 (MANE Select); coding-DNA position 3217, A replaced by G.
Protein change: p.Ser1073Gly; replaces serine 1073 with glycine.
Molecular consequence: missense variant.
Genome position (GRCh38, 1-based): chr7:98,930,030, A>G. VCF-style: chr7-98930030-A-G. GRCh37 (hg19) VCF-style: chr7-98527653-A-G.
Other names: c.3217A>G, p.Ser1073Gly (NM_001244580.2, NM_003496.4); short protein forms S1073G.
Identifiers: ClinVar variation 3612332 (VCV003612332.1).